The following is an entry in ClinVar:

NM_000475.5(NR0B1):c.497G>C (p.Arg166Pro)

Gene: NR0B1 (nuclear receptor subfamily 0 group B member 1; minus strand). Cytogenetic location: Xp21.2.
Variant type: single nucleotide variant.
Coding change: c.497G>C on transcript NM_000475.5 (MANE Select); coding-DNA position 497, G replaced by C.
Protein change: p.Arg166Pro; replaces arginine 166 with proline.
Molecular consequence: missense variant.
Genome position (GRCh38, 1-based): chrX:30,308,867, C>G on the plus strand (G>C on the coding strand, the complement: NR0B1 is on the minus strand). VCF-style: chrX-30308867-C-G. GRCh37 (hg19) VCF-style: chrX-30326984-C-G.
Other names: short protein forms R166P.
Identifiers: ClinVar variation 5025842 (VCV005025842.1).

ClinVar aggregate classification (germline): Uncertain significance (1 of 4 stars; one submission).

Conditions:
Inborn genetic diseases. Identifiers: MedGen C0950123, MeSH D030342.

gnomAD v4.1: 9 of 1,171,642 alleles (0.00077%); highest among the groups gnomAD compares: Non-Finnish European, 0.001%; no homozygotes.

Submission:

Ambry Genetics
Classification: Uncertain significance for Inborn genetic diseases. Last evaluated: 2026-07-23. Review status: criteria provided, single submitter. Criteria: Ambry Variant Classification Scheme 2023. Collection method: clinical testing. Allele origin: germline.
Comment: The c.497G>C (p.R166P) alteration is located in exon 1 (coding exon 1) of the NR0B1 gene. This alteration results from a G to C substitution at nucleotide position 497, causing the arginine (R) at amino acid position 166 to be replaced by a proline (P). Based on data from gnomAD, the C allele has an overall frequency of 0.001% (1/170656) total alleles studied. The highest observed frequency was 0.001% (1/74127) of European (non-Finnish) alleles. Based on insufficient or conflicting evidence, the clinical significance of this alteration remains unclear.